The following is an entry in ClinVar:

NM_133261.3(GIPC3):c.331A>T (p.Lys111Ter)

Gene: GIPC3 (GIPC PDZ domain containing family member 3; plus strand). Cytogenetic location: 19p13.3.
Variant type: single nucleotide variant.
Coding change: c.331A>T on transcript NM_133261.3 (MANE Select); coding-DNA position 331, A replaced by T.
Protein change: p.Lys111Ter; replaces lysine 111 with a stop codon.
Molecular consequence: nonsense.
Genome position (GRCh38, 1-based): chr19:3,586,600, A>T. VCF-style: chr19-3586600-A-T. GRCh37 (hg19) VCF-style: chr19-3586598-A-T.
Other names: c.331A>T, p.Lys111Ter (NM_001411144.1); short protein forms K111*.
Identifiers: ClinVar variation 3601137 (VCV003601137.1).
Genomic context (GRCh38, chr19:3,586,600, plus strand): 5'-CTCCTGGGGGGTCAGATAGGCCTGGAGGACTTCATCTTTGCCCACGTGCGAGGCGAGACC[A>T]AGGAGGTGGAGGTCACTAAGACAGAGGATGCTCTGGGGCTGACCATCACGGACAACGGGG-3'

ClinVar aggregate classification (germline): Likely pathogenic (1 of 4 stars; one submission).

Conditions:
Autosomal recessive nonsyndromic hearing loss 15. Also called: DEAFNESS, AUTOSOMAL RECESSIVE 72; DEAFNESS, AUTOSOMAL RECESSIVE 15; DEAFNESS, AUTOSOMAL RECESSIVE 95. Identifiers: Orphanet 90636, MedGen C1866094, MONDO:0011160, OMIM 601869.

gnomAD v4.1: 1 of 1,613,612 alleles (0.000062%); highest among the groups gnomAD compares: Admixed American, 0.0017%; no homozygotes.

Submission:

Institute of Rare Diseases, West China Hospital, Sichuan University
Classification: Likely pathogenic for Autosomal recessive nonsyndromic hearing loss 15. Last evaluated: 2025-01-09. Review status: criteria provided, single submitter. Criteria: ClinGen HL ACMG Specifications v1. Collection method: research. Allele origin: germline. Affected: yes.
Comment: PVS1;PM2_Supporting